The following is an entry in ClinVar:

NM_001048174.2(MUTYH):c.508G>C (p.Gly170Arg)

Gene: MUTYH (mutY DNA glycosylase; minus strand). Cytogenetic location: 1p34.1.
Variant type: single nucleotide variant.
Coding change: c.508G>C on transcript NM_001048174.2 (MANE Select); coding-DNA position 508, G replaced by C.
Protein change: p.Gly170Arg; replaces glycine 170 with arginine.
Molecular consequence: missense variant. On other transcripts: non-coding transcript variant (7).
Genome position (GRCh38, 1-based): chr1:45,332,672, C>G on the plus strand (G>C on the coding strand, the complement: MUTYH is on the minus strand). VCF-style: chr1-45332672-C-G. GRCh37 (hg19) VCF-style: chr1-45798344-C-G.
Other names: c.163G>C, p.Gly55Arg (NM_001407082.1, NM_001350650.2, NM_001350651.2); c.550G>C, p.Gly184Arg (NM_001407083.1, NM_001407085.1); c.511G>C, p.Gly171Arg (NM_001407086.1, NM_001048172.2, NM_001407071.1 and 1 more transcripts); c.529G>C, p.Gly177Arg (NM_001407087.1); c.508G>C, p.Gly170Arg (NM_001407088.1, NM_001407089.1, NM_001048171.2 and 6 more transcripts); c.232G>C, p.Gly78Arg (NM_001407091.1, NM_001293192.2, NM_001293196.2); c.583G>C, p.Gly195Arg (NM_012222.3); c.592G>C, p.Gly198Arg (NM_001128425.2); and 5 more; short protein forms G185R, G195R, G198R, G142R, G157R, G171R, G184R, G55R.
Identifiers: ClinVar variation 2759686 (VCV002759686.3), dbSNP rs2524156184, ClinGen allele CA340135440.

ClinVar aggregate classification (germline): Uncertain significance (1 of 4 stars; one submission).

Conditions:
Familial adenomatous polyposis 2. Also called: MUTYH-associated polyposis; Adenomas, multiple colorectal; COLORECTAL ADENOMATOUS POLYPOSIS, AUTOSOMAL RECESSIVE; ADENOMAS, MULTIPLE COLORECTAL, AUTOSOMAL RECESSIVE; MUTYH-related attenuated familial adenomatous polyposis; MYH-associated polyposis. Identifiers: Orphanet 220460, Orphanet 247798, MedGen C3272841, MONDO:0012041, OMIM 608456.

Allele frequency attached by ClinVar (database versions not stated): gnomAD exomes below 0.00001.
gnomAD v4.1: 2 of 1,614,152 alleles (0.00012%); highest among the groups gnomAD compares: Non-Finnish European, 0.00017%; no homozygotes.

Submission:

Labcorp Genetics (formerly Invitae), Labcorp
Classification: Uncertain significance for Familial adenomatous polyposis 2. Last evaluated: 2023-09-10. Review status: criteria provided, single submitter. Criteria: Invitae Variant Classification Sherloc (09022015). Collection method: clinical testing. Allele origin: germline.
Comment: This sequence change replaces glycine, which is neutral and non-polar, with arginine, which is basic and polar, at codon 198 of the MUTYH protein (p.Gly198Arg). This variant is not present in population databases (gnomAD no frequency). This variant has not been reported in the literature in individuals affected with MUTYH-related conditions. An algorithm developed to predict the effect of missense changes on protein structure and function (PolyPhen-2) suggests that this variant is likely to be tolerated. In summary, the available evidence is currently insufficient to determine the role of this variant in disease. Therefore, it has been classified as a Variant of Uncertain Significance.